The following is an entry in ClinVar:

NM_017435.5(SLCO1C1):c.272-8C>T

Gene: SLCO1C1 (solute carrier organic anion transporter family member 1C1; plus strand). Cytogenetic location: 12p12.2.
Variant type: single nucleotide variant.
Coding change: c.272-8C>T on transcript NM_017435.5 (MANE Select); 8 bases into the intron before coding-DNA position 272, C replaced by T.
Molecular consequence: intron variant.
Genome position (GRCh38, 1-based): chr12:20,705,941, C>T. VCF-style: chr12-20705941-C-T. GRCh37 (hg19) VCF-style: chr12-20858875-C-T.
Other names: c.-83-8C>T (NM_001145944.2); c.272-8C>T (NM_001145946.2, NM_001145945.2).
Identifiers: ClinVar variation 3777823 (VCV003777823.7).

ClinVar aggregate classification (germline): Likely benign (1 of 4 stars; one submission).

gnomAD v4.1: 688 of 1,611,800 alleles (0.043%); highest among the groups gnomAD compares: Middle Eastern, 1.1%; 7 homozygotes.

Submission:

CeGaT Center for Human Genetics Tuebingen
Classification: Likely benign. Last evaluated: 2025-03-01. Review status: criteria provided, single submitter. Criteria: CeGaT Center For Human Genetics Tuebingen Variant Classification Criteria Version 2. Collection method: clinical testing. Allele origin: germline. Affected: yes. Observed: 1 variant allele.
Comment: SLCO1C1: BP4